The following is an entry in ClinVar:

NM_018136.5(ASPM):c.725G>A (p.Arg242His)

Gene: ASPM (assembly factor for spindle microtubules; minus strand). Cytogenetic location: 1q31.3.
Variant type: single nucleotide variant.
Coding change: c.725G>A on transcript NM_018136.5 (MANE Select); coding-DNA position 725, G replaced by A.
Protein change: p.Arg242His; replaces arginine 242 with histidine.
Molecular consequence: missense variant.
Genome position (GRCh38, 1-based): chr1:197,143,527, C>T on the plus strand (G>A on the coding strand, the complement: ASPM is on the minus strand). VCF-style: chr1-197143527-C-T. GRCh37 (hg19) VCF-style: chr1-197112657-C-T.
Other names: c.725G>A, p.Arg242His (NM_001206846.2); short protein forms R242H.
Identifiers: ClinVar variation 1423754 (VCV001423754.8), dbSNP rs374323328, ClinGen allele CA35861759.
Genomic context (GRCh38, chr1:197,143,527, plus strand): 5'-TGTACATTTAATAGTTCCCTATTTTCTGATGCATGAAGAGATGAGTAGGTAGTAGATCGA[C>T]GTACAGAGAGTGGCAAGCAAGTTGCACCATGGCATTCATTGAAAGCAGGGCTAATAGGTG-3'
Protein context (NP_060606.3, residues 232-252): HGATCLPLSV[Arg242His]RSTTYSSLHA

ClinVar aggregate classification (germline): Uncertain significance (1 of 4 stars; one submission).

Allele frequency attached by ClinVar (database versions not stated): gnomAD exomes 0.00001; gnomAD 0.00004; TOPMed 0.00005; ESP Exome Variant Server 0.00008.
gnomAD v4.1: 19 of 1,613,762 alleles (0.0012%); highest among the groups gnomAD compares: Middle Eastern, 0.016%; no homozygotes.

Submission:

Labcorp Genetics (formerly Invitae), Labcorp
Classification: Uncertain significance. Last evaluated: 2021-08-09. Review status: criteria provided, single submitter. Criteria: Invitae Variant Classification Sherloc (09022015). Collection method: clinical testing. Allele origin: germline.
Comment: In summary, the available evidence is currently insufficient to determine the role of this variant in disease. Therefore, it has been classified as a Variant of Uncertain Significance. Algorithms developed to predict the effect of missense changes on protein structure and function output the following: SIFT: "Tolerated"; PolyPhen-2: "Benign"; Align-GVGD: "Class C0". The histidine amino acid residue is found in multiple mammalian species, suggesting that this missense change does not adversely affect protein function. These predictions have not been confirmed by published functional studies and their clinical significance is uncertain. This variant has not been reported in the literature in individuals with ASPM-related conditions. This variant is not present in population databases (ExAC no frequency). This sequence change replaces arginine with histidine at codon 242 of the ASPM protein (p.Arg242His). The arginine residue is moderately conserved and there is a small physicochemical difference between arginine and histidine.